The following is an entry in ClinVar:

NM_024422.6(DSC2):c.2588G>C (p.Gly863Ala)

Gene: DSC2 (desmocollin 2; minus strand). Cytogenetic location: 18q12.1.
Variant type: single nucleotide variant.
Coding change: c.2588G>C on transcript NM_024422.6 (MANE Select); coding-DNA position 2588, G replaced by C.
Protein change: p.Gly863Ala; replaces glycine 863 with alanine.
Molecular consequence: missense variant. On other transcripts: 3 prime UTR variant (2).
Genome position (GRCh38, 1-based): chr18:31,068,133, C>G on the plus strand (G>C on the coding strand, the complement: DSC2 is on the minus strand). VCF-style: chr18-31068133-C-G. GRCh37 (hg19) VCF-style: chr18-28648099-C-G.
Other names: c.2159G>C, p.Gly720Ala (NM_001406506.1); c.*90G>C (NM_001406507.1, NM_004949.5); short protein forms G720A, G863A.
Identifiers: ClinVar variation 3768877 (VCV003768877.1).
Genomic context (GRCh38, chr18:31,068,133, plus strand): 5'-AATTCAAGCCCATCTTCTTCTTGTCGTTCACTGCAACAACCTACAGACCCAGCCACCGAT[C>G]CTCTTCCTTCATAGTTATATGTCAGGACATAGTCTTGGGCATGCTTGTGATTTTCATCTT-3'
Protein context (NP_077740.1, residues 853-873): YVLTYNYEGR[Gly863Ala]SVAGSVGCCS

ClinVar aggregate classification (germline): Uncertain significance (1 of 4 stars; one submission).

gnomAD v4.1: 1 of 1,614,080 alleles (0.000062%); highest among the groups gnomAD compares: African/African-American, 0.0013%; no homozygotes.

Submission:

Women's Health and Genetics/Laboratory Corporation of America, LabCorp
Classification: Uncertain significance. Last evaluated: 2025-02-23. Review status: criteria provided, single submitter. Criteria: LabCorp Variant Classification Summary - May 2015. Collection method: clinical testing. Allele origin: germline.
Comment: Variant summary: DSC2 c.2588G>C (p.Gly863Ala) results in a non-conservative amino acid change in the encoded protein sequence. Five of five in-silico tools predict a damaging effect of the variant on protein function. The variant was absent in 251120 control chromosomes. The available data on variant occurrences in the general population are insufficient to allow any conclusion about variant significance. To our knowledge, no occurrence of c.2588G>C in individuals affected with Arrhythmogenic Right Ventricular Dysplasia/Cardiomyopathy and no experimental evidence demonstrating its impact on protein function have been reported. No submitters have cited clinical-significance assessments for this variant to ClinVar. Based on the evidence outlined above, the variant was classified as uncertain significance.